The following is an entry in ClinVar:

ClinVar aggregate classification (germline): Uncertain significance (1 of 4 stars; one submission).

Conditions:
Pitt-Hopkins-like syndrome 2 (PTHSL2). Identifiers: Orphanet 221150, Orphanet 600663, MedGen C3280479, MONDO:0013690, OMIM 614325.

Allele frequency attached by ClinVar (database versions not stated): gnomAD exomes 0.00004 and 0.00010; ExAC 0.00012.
gnomAD v4.1: 62 of 1,614,030 alleles (0.0038%); highest among the groups gnomAD compares: South Asian, 0.065%; no homozygotes.

Submission:

Labcorp Genetics (formerly Invitae), Labcorp
Classification: Uncertain significance for Pitt-Hopkins-like syndrome 2. Last evaluated: 2024-10-21. Review status: criteria provided, single submitter. Criteria: Invitae Variant Classification Sherloc (09022015). Collection method: clinical testing. Allele origin: germline.
Comment: This sequence change replaces threonine, which is neutral and polar, with asparagine, which is neutral and polar, at codon 1397 of the NRXN1 protein (p.Thr1397Asn). This variant is present in population databases (rs200974417, gnomAD 0.08%). This variant has not been reported in the literature in individuals affected with NRXN1-related conditions. ClinVar contains an entry for this variant (Variation ID: 1056725). Invitae Evidence Modeling of protein sequence and biophysical properties (such as structural, functional, and spatial information, amino acid conservation, physicochemical variation, residue mobility, and thermodynamic stability) indicates that this missense variant is not expected to disrupt NRXN1 protein function with a negative predictive value of 80%. In summary, the available evidence is currently insufficient to determine the role of this variant in disease. Therefore, it has been classified as a Variant of Uncertain Significance.

NM_001330078.2(NRXN1):c.4070C>A (p.Thr1357Asn)

Gene: NRXN1 (neurexin 1; minus strand). Cytogenetic location: 2p16.3.
Variant type: single nucleotide variant.
Coding change: c.4070C>A on transcript NM_001330078.2 (MANE Select); coding-DNA position 4070, C replaced by A.
Protein change: p.Thr1357Asn; replaces threonine 1357 with asparagine.
Molecular consequence: missense variant.
Genome position (GRCh38, 1-based): chr2:50,053,329, G>T on the plus strand (C>A on the coding strand, the complement: NRXN1 is on the minus strand). VCF-style: chr2-50053329-G-T. GRCh37 (hg19) VCF-style: chr2-50280467-G-T.
Other names: c.4190C>A, p.Thr1397Asn (NM_001135659.3); c.4046C>A, p.Thr1349Asn (NM_001330077.2, NM_001330082.2); c.3914C>A, p.Thr1305Asn (NM_001330083.2); c.4004C>A, p.Thr1335Asn (NM_001330084.2); c.4043C>A, p.Thr1348Asn (NM_001330085.2); c.4070C>A, p.Thr1357Asn (NM_001330086.2); c.3869C>A, p.Thr1290Asn (NM_001330087.2, NM_001330096.2); c.3899C>A, p.Thr1300Asn (NM_001330088.2); and 6 more; short protein forms T1290N, T1300N, T1305N, T1310N, T1327N, T1335N, T1348N, T1349N.
Identifiers: ClinVar variation 1056725 (VCV001056725.9), dbSNP rs200974417, ClinGen allele CA1654306.
Genomic context (GRCh38, chr2:50,053,329, plus strand): 5'-ACCTGGCTAATGGGTTCTTTTGTCGGGGGCTTTCCTCTTCTGGCTGTGCTAGTAGCCAGG[G>T]TCGTGGTAGTCTCCATAATTGATGTGGACATCTCTGATTGCATGGCAGTGGCTGTTGACT-3'
Protein context (NP_001317007.1, residues 1347-1367): MSTSIMETTT[Thr1357Asn]LATSTARRGK